The following is an entry in ClinVar:

NM_014159.7(SETD2):c.1911G>C (p.Lys637Asn)

Gene: SETD2 (SET domain containing 2, histone lysine methyltransferase; minus strand). Cytogenetic location: 3p21.31.
Variant type: single nucleotide variant.
Coding change: c.1911G>C on transcript NM_014159.7 (MANE Select); coding-DNA position 1911, G replaced by C.
Protein change: p.Lys637Asn; replaces lysine 637 with asparagine.
Molecular consequence: missense variant. On other transcripts: non-coding transcript variant (1).
Genome position (GRCh38, 1-based): chr3:47,122,725, C>G on the plus strand (G>C on the coding strand, the complement: SETD2 is on the minus strand). VCF-style: chr3-47122725-C-G. GRCh37 (hg19) VCF-style: chr3-47164215-C-G.
Other names: c.1779G>C, p.Lys593Asn (NM_001349370.3); short protein forms K593N, K637N.
Identifiers: ClinVar variation 1054712 (VCV001054712.5), dbSNP rs2106685788, ClinGen allele CA352528419.

ClinVar aggregate classification (germline): Uncertain significance (1 of 4 stars; one submission).

Conditions:
Luscan-Lumish syndrome. Identifiers: Orphanet 597738, MedGen C4085873, MONDO:0014791, OMIM 616831.

Submission:

Labcorp Genetics (formerly Invitae), Labcorp
Classification: Uncertain significance for Luscan-Lumish syndrome. Last evaluated: 2020-01-06. Review status: criteria provided, single submitter. Criteria: Invitae Variant Classification Sherloc (09022015). Collection method: clinical testing. Allele origin: germline.
Comment: This sequence change replaces lysine with asparagine at codon 637 of the SETD2 protein (p.Lys637Asn). The lysine residue is moderately conserved and there is a moderate physicochemical difference between lysine and asparagine. This variant is not present in population databases (ExAC no frequency). This variant has not been reported in the literature in individuals with SETD2-related conditions. Algorithms developed to predict the effect of missense changes on protein structure and function (SIFT, PolyPhen-2, Align-GVGD) all suggest that this variant is likely to be tolerated, but these predictions have not been confirmed by published functional studies and their clinical significance is uncertain. In summary, the available evidence is currently insufficient to determine the role of this variant in disease. Therefore, it has been classified as a Variant of Uncertain Significance.